The following is an entry in ClinVar:

NM_001130698.2(TRPC3):c.1214C>T (p.Thr405Met)

Gene: TRPC3 (transient receptor potential cation channel subfamily C member 3; minus strand). Cytogenetic location: 4q27.
Variant type: single nucleotide variant.
Coding change: c.1214C>T on transcript NM_001130698.2 (MANE Select); coding-DNA position 1214, C replaced by T.
Protein change: p.Thr405Met; replaces threonine 405 with methionine.
Molecular consequence: missense variant.
Genome position (GRCh38, 1-based): chr4:121,914,907, G>A on the plus strand (C>T on the coding strand, the complement: TRPC3 is on the minus strand). VCF-style: chr4-121914907-G-A. GRCh37 (hg19) VCF-style: chr4-122836062-G-A.
Other names: c.1214C>T, p.Thr405Met (NM_001366479.2); c.995C>T, p.Thr332Met (NM_003305.2); short protein forms T332M, T405M.
Identifiers: ClinVar variation 1981110 (VCV001981110.4), dbSNP rs140772812, ClinGen allele CA3064996.

ClinVar aggregate classification (germline): Uncertain significance (1 of 4 stars; one submission).

Allele frequency attached by ClinVar (database versions not stated): TOPMed 0.00001; ESP Exome Variant Server 0.00015; gnomAD 0.00001.
gnomAD v4.1: 30 of 1,610,250 alleles (0.0019%); highest among the groups gnomAD compares: East Asian, 0.0045%; no homozygotes.

Submission:

Labcorp Genetics (formerly Invitae), Labcorp
Classification: Uncertain significance. Last evaluated: 2022-09-10. Review status: criteria provided, single submitter. Criteria: Invitae Variant Classification Sherloc (09022015). Collection method: clinical testing. Allele origin: germline.
Comment: In summary, the available evidence is currently insufficient to determine the role of this variant in disease. Therefore, it has been classified as a Variant of Uncertain Significance. Advanced modeling of protein sequence and biophysical properties (such as structural, functional, and spatial information, amino acid conservation, physicochemical variation, residue mobility, and thermodynamic stability) performed at Invitae indicates that this missense variant is not expected to disrupt TRPC3 protein function. This variant has not been reported in the literature in individuals affected with TRPC3-related conditions. This variant is present in population databases (rs140772812, gnomAD 0.004%). This sequence change replaces threonine, which is neutral and polar, with methionine, which is neutral and non-polar, at codon 405 of the TRPC3 protein (p.Thr405Met).